The following is an entry in ClinVar:

NM_000232.5(SGCB):c.419A>G (p.Asn140Ser)

Gene: SGCB (sarcoglycan beta; minus strand). Cytogenetic location: 4q12.
Variant type: single nucleotide variant.
Coding change: c.419A>G on transcript NM_000232.5 (MANE Select); coding-DNA position 419, A replaced by G.
Protein change: p.Asn140Ser; replaces asparagine 140 with serine.
Molecular consequence: missense variant.
Genome position (GRCh38, 1-based): chr4:52,029,688, T>C on the plus strand (A>G on the coding strand, the complement: SGCB is on the minus strand). VCF-style: chr4-52029688-T-C. GRCh37 (hg19) VCF-style: chr4-52895854-T-C.
Other names: short protein forms N140S.
Identifiers: ClinVar variation 284136 (VCV000284136.10), dbSNP rs775409967, ClinGen allele CA2918415.
Genomic context (GRCh38, chr4:52,029,688, plus strand): 5'-CTAATGCCCCTCTCCTGTTTGCATTTCTTTCAGTTAATGTGGCAACTTACAGGCTGGTTG[T>C]TGCCAGTGATGACCAAATTTTCATTTCGCCTTCCTCCTACTGTGCTTTTATAAAGAGGGT-3'
Protein context (NP_000223.1, residues 130-150): RRNENLVITG[Asn140Ser]NQPIVFQQGT

ClinVar aggregate classification (germline): Uncertain significance. Review status: criteria provided, multiple submitters, no conflicts (2 of 4 stars). 4 submissions from 4 submitters: Uncertain significance (3). 1 of the submissions does not count toward it. Last evaluated 2026-08-11.

Conditions:
SGCB-related disorder. Also called: SGCB-related condition.
Autosomal recessive limb-girdle muscular dystrophy type 2E (LGMDR4). Also called: MUSCULAR DYSTROPHY, LIMB-GIRDLE, AUTOSOMAL RECESSIVE 4. Identifiers: Orphanet 119, MedGen C1858593, MONDO:0011423, OMIM 604286. Disease mechanism: Affects gamma-sarcoglycan and also disrupts the integrity of the entire sarcoglycan complex..

Allele frequency attached by ClinVar (database versions not stated): gnomAD 0.00002; gnomAD exomes 0.00002 and 0.00008; TOPMed 0.00002; ExAC 0.00004.
gnomAD v4.1: 121 of 1,612,262 alleles (0.0075%); highest among the groups gnomAD compares: Non-Finnish European, 0.01%; no homozygotes.

Submissions (4):

PreventionGenetics, part of Exact Sciences
Classification: Uncertain significance for SGCB-related condition. Last evaluated: 2026-08-11. Review status: criteria provided, single submitter. Criteria: ACMG Guidelines, 2015. Collection method: clinical testing. Allele origin: germline.
Comment: The SGCB c.419A>G variant is predicted to result in the amino acid substitution p.Asn140Ser. To our knowledge, this variant has not been reported in the literature. This variant is reported in 0.0062% of alleles in individuals of European (Non-Finnish) descent in gnomAD. At this time, the clinical significance of this variant is uncertain due to the absence of conclusive functional and genetic evidence.

Labcorp Genetics (formerly Invitae), Labcorp
Classification: Uncertain significance for Autosomal recessive limb-girdle muscular dystrophy type 2E. Last evaluated: 2022-08-19. Review status: criteria provided, single submitter. Criteria: Invitae Variant Classification Sherloc (09022015). Collection method: clinical testing. Allele origin: germline.
Comment: This sequence change replaces asparagine, which is neutral and polar, with serine, which is neutral and polar, at codon 140 of the SGCB protein (p.Asn140Ser). This variant is present in population databases (rs775409967, gnomAD 0.005%). This variant has not been reported in the literature in individuals affected with SGCB-related conditions. ClinVar contains an entry for this variant (Variation ID: 284136). Algorithms developed to predict the effect of missense changes on protein structure and function (SIFT, PolyPhen-2, Align-GVGD) all suggest that this variant is likely to be tolerated. Algorithms developed to predict the effect of sequence changes on RNA splicing suggest that this variant may create or strengthen a splice site. In summary, the available evidence is currently insufficient to determine the role of this variant in disease. Therefore, it has been classified as a Variant of Uncertain Significance.

Eurofins Ntd Llc (ga)
Classification: Uncertain significance. Last evaluated: 2015-11-06. Review status: criteria provided, single submitter. Criteria: EGL Classification Definitions 2015. Collection method: clinical testing. Allele origin: germline. Observed: 1 variant allele, 1 heterozygote.

Natera, Inc.
Classification: Uncertain significance for Limb-girdle muscular dystrophy type 2E. Last evaluated: 2019-11-11. Review status: no assertion criteria provided. Collection method: clinical testing. Allele origin: germline. Not counted in ClinVar's aggregate classification.